The following is an entry in ClinVar:

ClinVar aggregate classification (germline): Uncertain significance (1 of 4 stars; one submission).

Conditions:
Spondyloepimetaphyseal dysplasia, PAPSS2 type. Also called: BRACHYOLMIA TYPE 4 WITH MILD EPIPHYSEAL AND METAPHYSEAL CHANGES; SPONDYLODYSPLASIA AND PREMATURE PUBARCHE; SEMD, PAKISTANI TYPE. Identifiers: Orphanet 93282, MedGen C2748516, MONDO:0019666, OMIM 612847.

Allele frequency attached by ClinVar (database versions not stated): gnomAD exomes 0.00001 and 0.00004; gnomAD 0.00002 and 0.00003; TOPMed 0.00003; ExAC 0.00001.
gnomAD v4.1: 14 of 1,613,986 alleles (0.00087%); highest among the groups gnomAD compares: Admixed American, 0.022%; no homozygotes.

Submission:

Labcorp Genetics (formerly Invitae), Labcorp
Classification: Uncertain significance for Spondyloepimetaphyseal dysplasia, PAPSS2 type. Last evaluated: 2024-01-17. Review status: criteria provided, single submitter. Criteria: Invitae Variant Classification Sherloc (09022015). Collection method: clinical testing. Allele origin: germline.
Comment: This sequence change replaces isoleucine, which is neutral and non-polar, with valine, which is neutral and non-polar, at codon 482 of the PAPSS2 protein (p.Ile482Val). This variant is present in population databases (rs760626908, gnomAD 0.03%). This variant has not been reported in the literature in individuals affected with PAPSS2-related conditions. ClinVar contains an entry for this variant (Variation ID: 1368170). Algorithms developed to predict the effect of missense changes on protein structure and function output the following: SIFT: "Not Available"; PolyPhen-2: "Benign"; Align-GVGD: "Not Available". The valine amino acid residue is found in multiple mammalian species, which suggests that this missense change does not adversely affect protein function. In summary, the available evidence is currently insufficient to determine the role of this variant in disease. Therefore, it has been classified as a Variant of Uncertain Significance.

NM_001015880.2(PAPSS2):c.1444A>G (p.Ile482Val)

Gene: PAPSS2 (3'-phosphoadenosine 5'-phosphosulfate synthase 2; plus strand). Cytogenetic location: 10q23.31.
Variant type: single nucleotide variant.
Coding change: c.1444A>G on transcript NM_001015880.2 (MANE Select); coding-DNA position 1444, A replaced by G.
Protein change: p.Ile482Val; replaces isoleucine 482 with valine.
Molecular consequence: missense variant.
Genome position (GRCh38, 1-based): chr10:87,743,594, A>G. VCF-style: chr10-87743594-A-G. GRCh37 (hg19) VCF-style: chr10-89503351-A-G.
Other names: c.1429A>G, p.Ile477Val (NM_004670.4); short protein forms I482V, I477V.
Identifiers: ClinVar variation 1368170 (VCV001368170.6), dbSNP rs760626908, ClinGen allele CA5589750.
Genomic context (GRCh38, chr10:87,743,594, plus strand): 5'-TGGCGGATGAAGCAGCACGCGGCTGTGCTCGAGGAAGGGGTCCTGGATCCCAAGTCAACC[A>G]TTGTTGCCATCTTTCCGTCTCCCATGTTATATGCTGGCCCCACAGAGGTGAGCAATTCCC-3'
Protein context (NP_001015880.1, residues 472-492): EEGVLDPKST[Ile482Val]VAIFPSPMLY